The following is an entry in ClinVar:

NM_000629.3(IFNAR1):c.371G>A (p.Arg124His)

Gene: IFNAR1 (interferon alpha and beta receptor subunit 1; plus strand). Cytogenetic location: 21q22.11.
Variant type: single nucleotide variant.
Coding change: c.371G>A on transcript NM_000629.3 (MANE Select); coding-DNA position 371, G replaced by A.
Protein change: p.Arg124His; replaces arginine 124 with histidine.
Molecular consequence: missense variant. On other transcripts: 5 prime UTR variant (2).
Genome position (GRCh38, 1-based): chr21:33,341,169, G>A. VCF-style: chr21-33341169-G-A. GRCh37 (hg19) VCF-style: chr21-34713475-G-A.
Other names: c.371G>A, p.Arg124His (NM_001384498.1, NM_001384499.1, NM_001384501.1 and 1 more transcripts); c.-416G>A (NM_001384500.1); c.-92G>A (NM_001384502.1); c.164G>A, p.Arg55His (NM_001384504.1); c.371G>A (NM_000629.2); short protein forms R124H, R55H.
Identifiers: ClinVar variation 2191609 (VCV002191609.3), dbSNP rs776460099, ClinGen allele CA10006461.

ClinVar aggregate classification (germline): Uncertain significance. Review status: criteria provided, multiple submitters, no conflicts (2 of 4 stars). 2 submissions from 2 submitters: Uncertain significance (2). Last evaluated 2025-09-26.

Allele frequency attached by ClinVar (database versions not stated): gnomAD exomes 0.00002; ExAC 0.00004; gnomAD 0.00001; TOPMed 0.00004.

Submissions (2):

Ambry Genetics
Classification: Uncertain significance. Last evaluated: 2025-09-26. Review status: criteria provided, single submitter. Criteria: Ambry Variant Classification Scheme 2023. Collection method: clinical testing. Allele origin: germline.

Labcorp Genetics (formerly Invitae), Labcorp
Classification: Uncertain significance. Last evaluated: 2022-08-22. Review status: criteria provided, single submitter. Criteria: Invitae Variant Classification Sherloc (09022015). Collection method: clinical testing. Allele origin: germline.
Comment: In summary, the available evidence is currently insufficient to determine the role of this variant in disease. Therefore, it has been classified as a Variant of Uncertain Significance. Algorithms developed to predict the effect of missense changes on protein structure and function (SIFT, PolyPhen-2, Align-GVGD) all suggest that this variant is likely to be tolerated. This variant has not been reported in the literature in individuals affected with IFNAR1-related conditions. This variant is present in population databases (rs776460099, gnomAD 0.07%). This sequence change replaces arginine, which is basic and polar, with histidine, which is basic and polar, at codon 124 of the IFNAR1 protein (p.Arg124His).